The following is an entry in ClinVar:

ClinVar aggregate classification (germline): Likely benign (1 of 4 stars; one submission).

Conditions:
ITSN1-related disorder. Also called: ITSN1-related condition.

gnomAD v4.1: 591 of 1,613,282 alleles (0.037%); highest among the groups gnomAD compares: Non-Finnish European, 0.047%; 1 homozygote.

Submission:

PreventionGenetics, part of Exact Sciences
Classification: Likely benign for ITSN1-related condition. Last evaluated: 2024-12-04. Review status: criteria provided, single submitter. Criteria: ACMG Guidelines, 2015. Collection method: clinical testing. Allele origin: germline.
Comment: This variant is classified as likely benign based on ACMG/AMP sequence variant interpretation guidelines (Richards et al. 2015 PMID: 25741868, with internal and published modifications).

NM_003024.3(ITSN1):c.3972G>A (p.Pro1324=)

Gene: ITSN1 (intersectin 1; plus strand). Cytogenetic location: 21q22.11.
Variant type: single nucleotide variant.
Coding change: c.3972G>A on transcript NM_003024.3 (MANE Select); coding-DNA position 3972, G replaced by A.
Protein change: p.Pro1324=; no amino-acid change (proline 1324 retained).
Molecular consequence: synonymous variant.
Genome position (GRCh38, 1-based): chr21:33,865,232, G>A. VCF-style: chr21-33865232-G-A. GRCh37 (hg19) VCF-style: chr21-35237536-G-A.
Other names: c.3957G>A, p.Pro1319= (NM_001331010.2).
Identifiers: ClinVar variation 4980356 (VCV004980356.1).